The following is an entry in ClinVar:

ClinVar aggregate classification (germline): Uncertain significance. Review status: criteria provided, multiple submitters, no conflicts (2 of 4 stars). 11 submissions from 11 submitters: Uncertain significance (10). 1 of the submissions does not count toward it. Last evaluated 2025-09-21.

Conditions:
Cardiomyopathy (CMYO). Also called: Cardiomyopathies. Identifiers: Orphanet 167848, MedGen C0878544, MONDO:0004994, HP:0001638. Inheritance: Various modes of inheritance.
Cardiovascular phenotype. Identifiers: MedGen CN230736.
Hypertrophic cardiomyopathy. Also called: HYPERTROPHIC MYOCARDIOPATHY. Identifiers: Orphanet 217569, MedGen C0007194, MeSH D002312, MONDO:0005045, HP:0001639.
Dilated cardiomyopathy 1S (CMD1S). Identifiers: Orphanet 154, Orphanet 54260, MedGen C1834481, MONDO:0013262, OMIM 613426.

Allele frequency attached by ClinVar (database versions not stated): gnomAD 0.00001; TOPMed 0.00002.
gnomAD v4.1: 11 of 1,614,064 alleles (0.00068%); highest among the groups gnomAD compares: African/African-American, 0.0027%; no homozygotes.

Submissions (11):

Dasa
Classification: Uncertain significance. Last evaluated: 2025-09-21. Review status: criteria provided, single submitter. Criteria: DASA Assertion Criteria. Collection method: clinical testing. Allele origin: germline.
Comment: NM_000257.4(MYH7):c.4823G>A (p.Arg1608His) is a missense variant that results in the substitution of arginine with histidine. This variant has been reported in individuals with MYH7-related disorders (PMID: 34011823). Also, this variant is rare in population databases. Computational prediction algorithms are consistent with a deleterious effect. The currently available literature and clinical evidence are not sufficient to establish a definitive association between this variant and the reported condition. Therefore, this variant is classified as a variant of uncertain significance.

Molecular Diagnostic Laboratory for Inherited Cardiovascular Disease, Montreal Heart Institute
Classification: Uncertain significance for Cardiovascular phenotype. Last evaluated: 2025-04-09. Review status: criteria provided, single submitter. Criteria: ACMG Guidelines, 2015. Collection method: clinical testing. Allele origin: germline. Affected: yes.

Labcorp Genetics (formerly Invitae), Labcorp
Classification: Uncertain significance for Hypertrophic cardiomyopathy. Last evaluated: 2024-05-26. Review status: criteria provided, single submitter. Criteria: Invitae Variant Classification Sherloc (09022015). Collection method: clinical testing. Allele origin: germline.
Comment: This sequence change replaces arginine, which is basic and polar, with histidine, which is basic and polar, at codon 1608 of the MYH7 protein (p.Arg1608His). This variant is present in population databases (rs587779391, gnomAD 0.009%). This missense change has been observed in individual(s) with dilated cardiomyopathy (PMID: 34011823). ClinVar contains an entry for this variant (Variation ID: 1012345). Advanced modeling of protein sequence and biophysical properties (such as structural, functional, and spatial information, amino acid conservation, physicochemical variation, residue mobility, and thermodynamic stability) performed at Invitae indicates that this missense variant is expected to disrupt MYH7 protein function with a positive predictive value of 95%. In summary, the available evidence is currently insufficient to determine the role of this variant in disease. Therefore, it has been classified as a Variant of Uncertain Significance.

CeGaT Center for Human Genetics Tuebingen
Classification: Uncertain significance. Last evaluated: 2023-05-01. Review status: criteria provided, single submitter. Criteria: CeGaT Center For Human Genetics Tuebingen Variant Classification Criteria Version 2. Collection method: clinical testing. Allele origin: germline. Affected: yes. Observed: 1 variant allele.
Comment: MYH7: PM2, PP2, PP3, PS4:Supporting

Ambry Genetics
Classification: Uncertain significance for Cardiovascular phenotype. Last evaluated: 2023-01-20. Review status: criteria provided, single submitter. Criteria: Ambry Variant Classification Scheme 2023. Collection method: clinical testing. Allele origin: germline.
Comment: The p.R1608H variant (also known as c.4823G>A), located in coding exon 32 of the MYH7 gene, results from a G to A substitution at nucleotide position 4823. The arginine at codon 1608 is replaced by histidine, an amino acid with highly similar properties. This alteration has been reported in a dilated cardiomyopathy (DCM) cohort and has also been reported in a large biobank cohort (Nguyen TV et al. Circ J, 2021 Aug;85:1469-1478; Park J et al. Hum Mol Genet, 2022 Mar;31:827-837). This amino acid position is highly conserved in available vertebrate species. In addition, this alteration is predicted to be deleterious by in silico analysis. Since supporting evidence is limited at this time, the clinical significance of this alteration remains unclear.

CHEO Genetics Diagnostic Laboratory, Children's Hospital of Eastern Ontario
Classification: Uncertain significance for Cardiomyopathy. Last evaluated: 2022-12-14. Review status: criteria provided, single submitter. Criteria: ACMG Guidelines, 2015. Collection method: clinical testing. Allele origin: germline.

AiLife Diagnostics
Classification: Uncertain significance. Last evaluated: 2021-08-31. Review status: criteria provided, single submitter. Criteria: ACMG Guidelines, 2015. Collection method: clinical testing. Allele origin: germline. Affected: yes. Observed: 1 variant allele.

Laboratory for Molecular Medicine, Mass General Brigham Personalized Medicine
Classification: Uncertain significance. Last evaluated: 2021-04-14. Review status: criteria provided, single submitter. Criteria: ACMG Guidelines, 2015. Collection method: clinical testing. Allele origin: germline.
Comment: The p.Arg1608His variant in MYH7 has not been previously reported in individuals with cardiomyopathy but has been identified in 0.006% (1/16252) of African chromosomes and in 0.004% (1/21648) of Finnish chromosomes by gnomAD. Computational prediction tools and conservation analyses do not provide strong support for or against an impact to the protein. In summary, the clinical significance of this variant is uncertain. ACMG/AMP Criteria applied: PM2_Supporting.

GeneDx
Classification: Uncertain significance. Last evaluated: 2020-02-17. Review status: criteria provided, single submitter. Criteria: GeneDx Variant Classification Process June 2021. Collection method: clinical testing. Allele origin: germline. Affected: yes.
Comment: Has not been previously published as pathogenic or benign to our knowledge; Not observed at a significant frequency in large population cohorts (Lek et al., 2016); In silico analysis supports that this missense variant has a deleterious effect on protein structure/function

Blueprint Genetics
Classification: Uncertain significance. Last evaluated: 2020-01-13. Review status: criteria provided, single submitter. Criteria: ACMG Guidelines, 2015. Collection method: clinical testing. Allele origin: germline.

KTest Genetics, KTest
Classification: Likely pathogenic for Dilated cardiomyopathy 1S. Review status: no assertion criteria provided. Criteria: ACMG Guidelines, 2015. Collection method: clinical testing. Allele origin: germline. Affected: yes. Not counted in ClinVar's aggregate classification.

Literature cited by the submitters: PubMed 34011823 (cited by 3 submitters); PubMed 34542152 (cited by Ambry Genetics); PubMed 24664454 (cited by Laboratory for Molecular Medicine, Mass General Brigham Personalized Medicine).

NM_000257.4(MYH7):c.4823G>A (p.Arg1608His)

Genes: MHRT (myosin heavy chain associated RNA transcript; plus strand), MYH7 (myosin heavy chain 7; minus strand), LOC126861897 (BRD4-independent group 4 enhancer GRCh37_chr14:23884455-23885654; plus strand). Cytogenetic location: 14q11.2.
Variant type: single nucleotide variant.
Coding change: c.4823G>A on transcript NM_000257.4 (MANE Select); coding-DNA position 4823, G replaced by A.
Protein change: p.Arg1608His; replaces arginine 1608 with histidine.
Molecular consequence: missense variant. On other transcripts: non-coding transcript variant (1).
Genome position (GRCh38, 1-based): chr14:23,416,134, C>T on the plus strand (G>A on the coding strand, the complement: MYH7 is on the minus strand). VCF-style: chr14-23416134-C-T. GRCh37 (hg19) VCF-style: chr14-23885343-C-T.
Other names: short protein forms R1608H.
Identifiers: ClinVar variation 1012345 (VCV001012345.41), dbSNP rs587779391, ClinGen allele CA043977.